The following is an entry in ClinVar:

NM_000478.6(ALPL):c.1562G>A (p.Ser521Asn)

Gene: ALPL (alkaline phosphatase, biomineralization associated; plus strand). Cytogenetic location: 1p36.12.
Variant type: single nucleotide variant.
Coding change: c.1562G>A on transcript NM_000478.6 (MANE Select); coding-DNA position 1562, G replaced by A.
Protein change: p.Ser521Asn; replaces serine 521 with asparagine.
Molecular consequence: missense variant.
Genome position (GRCh38, 1-based): chr1:21,577,635, G>A. VCF-style: chr1-21577635-G-A. GRCh37 (hg19) VCF-style: chr1-21904128-G-A.
Other names: c.1562G>A (NM_000478.5, NM_000478.4); c.1397G>A, p.Ser466Asn (NM_001127501.4); c.1331G>A, p.Ser444Asn (NM_001177520.3); c.1562G>A, p.Ser521Asn (NM_001369803.2, NM_001369804.2, NM_001369805.2); short protein forms S444N, S466N, S521N.
Identifiers: ClinVar variation 1049415 (VCV001049415.6), dbSNP rs368326384, ClinGen allele CA666887.

ClinVar aggregate classification (germline): Uncertain significance. Review status: criteria provided, multiple submitters, no conflicts (2 of 4 stars). 6 submissions from 6 submitters: Uncertain significance (5). 1 of the submissions does not count toward it. Last evaluated 2024-10-29.

Conditions:
Childhood hypophosphatasia. Identifiers: Orphanet 247667, Orphanet 436, MedGen C0220743, MONDO:1010168, OMIM 241510, MONDO:0009428.
Adult hypophosphatasia. Identifiers: Orphanet 247676, Orphanet 436, MedGen C0268413, MONDO:1010154, OMIM 146300, MONDO:0007798.
Infantile hypophosphatasia. Identifiers: Orphanet 247651, Orphanet 436, MedGen C0268412, MONDO:1010169, OMIM 241500, MONDO:0009427.
ALPL-related disorder. Also called: ALPL-related condition; ALPL-related disorders.
Inborn genetic diseases. Identifiers: MedGen C0950123, MeSH D030342.

Allele frequency attached by ClinVar (database versions not stated): gnomAD exomes 0.00001 and 0.00003; ExAC 0.00002; gnomAD 0.00003; TOPMed 0.00003; ESP Exome Variant Server 0.00008.
gnomAD v4.1: 49 of 1,598,276 alleles (0.0031%); highest among the groups gnomAD compares: Non-Finnish European, 0.0041%; no homozygotes.

Submissions (6):

Labcorp Genetics (formerly Invitae), Labcorp
Classification: Uncertain significance. Last evaluated: 2024-10-29. Review status: criteria provided, single submitter. Criteria: Invitae Variant Classification Sherloc (09022015). Collection method: clinical testing. Allele origin: germline.
Comment: This sequence change replaces serine, which is neutral and polar, with asparagine, which is neutral and polar, at codon 521 of the ALPL protein (p.Ser521Asn). This variant is present in population databases (rs368326384, gnomAD 0.002%). This variant has not been reported in the literature in individuals affected with ALPL-related conditions. ClinVar contains an entry for this variant (Variation ID: 1049415). Invitae Evidence Modeling of protein sequence and biophysical properties (such as structural, functional, and spatial information, amino acid conservation, physicochemical variation, residue mobility, and thermodynamic stability) has been performed for this missense variant. However, the output from this modeling did not meet the statistical confidence thresholds required to predict the impact of this variant on ALPL protein function. In summary, the available evidence is currently insufficient to determine the role of this variant in disease. Therefore, it has been classified as a Variant of Uncertain Significance.

Ambry Genetics
Classification: Uncertain significance for Inborn genetic diseases. Last evaluated: 2024-07-14. Review status: criteria provided, single submitter. Criteria: Ambry Variant Classification Scheme 2023. Collection method: clinical testing. Allele origin: germline.

Fulgent Genetics
Classification: Uncertain significance for Adult hypophosphatasia; Infantile hypophosphatasia; Childhood hypophosphatasia. Last evaluated: 2024-03-28. Review status: criteria provided, single submitter. Criteria: ACMG Guidelines, 2015. Collection method: clinical testing. Allele origin: germline.

PreventionGenetics, part of Exact Sciences
Classification: Uncertain significance for ALPL-related condition. Last evaluated: 2023-01-19. Review status: criteria provided, single submitter. Criteria: ACMG Guidelines, 2015. Collection method: clinical testing. Allele origin: germline.
Comment: The ALPL c.1562G>A variant is predicted to result in the amino acid substitution p.Ser521Asn. To our knowledge, this variant has not been reported in the literature. This variant is reported in 0.0028% of alleles in individuals of European (Non-Finnish) descent in gnomAD. At this time, the clinical significance of this variant is uncertain due to the absence of conclusive functional and genetic evidence.

GeneDx
Classification: Uncertain significance. Last evaluated: 2022-12-13. Review status: criteria provided, single submitter. Criteria: GeneDx Variant Classification Process June 2021. Collection method: clinical testing. Allele origin: germline. Affected: yes.
Comment: In silico analysis supports that this missense variant does not alter protein structure/function; Has not been previously published as pathogenic or benign to our knowledge

Department of Pathology and Laboratory Medicine, Sinai Health System
Classification: Uncertain significance. Review status: no assertion criteria provided. Collection method: clinical testing. Allele origin: unknown. Affected: yes. Study: The Canadian Open Genetics Repository (COGR). Not counted in ClinVar's aggregate classification.
Comment: The ALPL p.Ser521Asn variant was not identified in the literature nor was it identified in ClinVar, Cosmic or LOVD 3.0. The variant was identified in dbSNP (ID: rs368326384) and in control databases in 3 of 230478 chromosomes at a frequency of 0.000013 (Genome Aggregation Database Feb 27, 2017). The variant was observed in the following population: European (non-Finnish) in 3 of 106902 chromosomes (freq: 0.000028); it was not observed in the African, Latino, Ashkenazi Jewish, East Asian, European (Finnish), Other, and South Asian populations. The p.Ser521 residue is not conserved in mammals and 5 of 5 computational analyses (PolyPhen-2, SIFT, AlignGVGD, BLOSUM, MutationTaster) do not suggest a high likelihood of impact to the protein. The variant occurs outside of the splicing consensus sequence and 4 of 4 in silico or computational prediction software programs (SpliceSiteFinder, MaxEntScan, NNSPLICE, GeneSplicer) do not predict a change in splicing. However, this information is not predictive enough to rule out pathogenicity. In summary, based on the above information the clinical significance of this variant cannot be determined with certainty at this time. This variant is classified as a variant of uncertain significance.